The following is an entry in ClinVar:

NM_000138.5(FBN1):c.8509T>C (p.Tyr2837His)

Gene: FBN1 (fibrillin 1; minus strand). Cytogenetic location: 15q21.1.
Variant type: single nucleotide variant.
Coding change: c.8509T>C on transcript NM_000138.5 (MANE Select); coding-DNA position 8509, T replaced by C.
Protein change: p.Tyr2837His; replaces tyrosine 2837 with histidine.
Molecular consequence: missense variant.
Genome position (GRCh38, 1-based): chr15:48,411,097, A>G on the plus strand (T>C on the coding strand, the complement: FBN1 is on the minus strand). VCF-style: chr15-48411097-A-G. GRCh37 (hg19) VCF-style: chr15-48703294-A-G.
Other names: short protein forms Y2837H.
Identifiers: ClinVar variation 1019484 (VCV001019484.7), dbSNP rs1306203757, ClinGen allele CA392318749.

ClinVar aggregate classification (germline): Uncertain significance. Review status: criteria provided, multiple submitters, no conflicts (2 of 4 stars). 4 submissions from 4 submitters: Uncertain significance (4). Last evaluated 2026-06-03.

Conditions:
Familial thoracic aortic aneurysm and aortic dissection (TAAD). Also called: Thoracic aortic aneurysms and dissections. Identifiers: Orphanet 91387, MedGen C4707243, MONDO:0019625.
Marfan syndrome (MFS). Also called: FBN1-Related Marfan Syndrome; MARFAN SYNDROME, TYPE I; Marfan syndrome type 1; Marfan's syndrome; Marfan syndrome, classic. Identifiers: Orphanet 284963, Orphanet 558, MedGen C0024796, MONDO:0007947, OMIM 154700.

Allele frequency attached by ClinVar (database versions not stated): gnomAD 0.00001; gnomAD exomes 0.00001 and below 0.00001; TOPMed below 0.00001.
gnomAD v4.1: 23 of 1,613,948 alleles (0.0014%); highest among the groups gnomAD compares: Non-Finnish European, 0.0017%; no homozygotes.

Submissions (4):

Women's Health and Genetics/Laboratory Corporation of America, LabCorp
Classification: Uncertain significance. Last evaluated: 2026-06-03. Review status: criteria provided, single submitter. Criteria: LabCorp Variant Classification Summary - May 2015. Collection method: clinical testing. Allele origin: germline.
Comment: Variant summary: FBN1 c.8509T>C (p.Tyr2837His) results in a conservative amino acid change in the encoded protein sequence. Algorithms developed to predict the effect of missense changes on protein structure and function are either unavailable or do not agree on the potential impact of this missense change. The variant allele was found at a frequency of 4e-06 in 251242 control chromosomes. The available data on variant occurrences in the general population are insufficient to allow any conclusion about variant significance. To our knowledge, no occurrence of c.8509T>C in individuals affected with FBN1-related conditions and no experimental evidence demonstrating its impact on protein function have been reported. ClinVar contains an entry for this variant (Variation ID: 1019484). Based on the evidence outlined above, the variant was classified as uncertain significance.

Color Diagnostics, LLC DBA Color Health
Classification: Uncertain significance for Familial thoracic aortic aneurysm and aortic dissection. Last evaluated: 2025-07-14. Review status: criteria provided, single submitter. Criteria: ACMG Guidelines, 2015. Collection method: clinical testing. Allele origin: germline.
Comment: This missense variant replaces tyrosine with histidine at codon 2837 of the FBN1 protein. Computational prediction is inconclusive regarding the impact of this variant on protein structure and function. To our knowledge, functional studies have not been reported for this variant. This variant has not been reported in individuals affected with FBN1-related disorders in the literature. This variant has been identified in 1/251242 chromosomes in the general population by the Genome Aggregation Database (gnomAD). The available evidence is insufficient to determine the role of this variant in disease conclusively. Therefore, this variant is classified as a Variant of Uncertain Significance.

All of Us Research Program, National Institutes of Health
Classification: Uncertain significance for Marfan syndrome. Last evaluated: 2024-04-10. Review status: criteria provided, single submitter. Criteria: ACMG Guidelines, 2015. Collection method: clinical testing. Allele origin: germline. Inheritance: Autosomal dominant inheritance. Observed: 2 variant alleles, 2 heterozygotes.
Comment: This study involves interpretation of variants in research participants for the purpose of population health screening. Participant phenotype was not available at the time of variant classification. Additional details can be found in publication PMID: 35346344, PMCID: PMC8962531

Labcorp Genetics (formerly Invitae), Labcorp
Classification: Uncertain significance for Marfan syndrome; Familial thoracic aortic aneurysm and aortic dissection. Last evaluated: 2023-09-15. Review status: criteria provided, single submitter. Criteria: Invitae Variant Classification Sherloc (09022015). Collection method: clinical testing. Allele origin: germline.
Comment: This sequence change replaces tyrosine, which is neutral and polar, with histidine, which is basic and polar, at codon 2837 of the FBN1 protein (p.Tyr2837His). This variant is present in population databases (no rsID available, gnomAD 0.0009%). This variant has not been reported in the literature in individuals affected with FBN1-related conditions. ClinVar contains an entry for this variant (Variation ID: 1019484). Advanced modeling of protein sequence and biophysical properties (such as structural, functional, and spatial information, amino acid conservation, physicochemical variation, residue mobility, and thermodynamic stability) has been performed at Invitae for this missense variant, however the output from this modeling did not meet the statistical confidence thresholds required to predict the impact of this variant on FBN1 protein function. In summary, the available evidence is currently insufficient to determine the role of this variant in disease. Therefore, it has been classified as a Variant of Uncertain Significance.